The following is an entry in ClinVar:

NM_001378452.1(ITPR1):c.2809G>A (p.Val937Met)

Gene: ITPR1 (inositol 1,4,5-trisphosphate receptor type 1; plus strand). Cytogenetic location: 3p26.1.
Variant type: single nucleotide variant.
Coding change: c.2809G>A on transcript NM_001378452.1 (MANE Select); coding-DNA position 2809, G replaced by A.
Protein change: p.Val937Met; replaces valine 937 with methionine.
Molecular consequence: missense variant.
Genome position (GRCh38, 1-based): chr3:4,676,643, G>A. VCF-style: chr3-4676643-G-A. GRCh37 (hg19) VCF-style: chr3-4718327-G-A.
Other names: c.2737G>A (NM_002222.5); c.2782G>A, p.Val928Met (NM_001099952.4); c.2764G>A, p.Val922Met (NM_001168272.2); c.2737G>A, p.Val913Met (NM_002222.7); short protein forms V913M, V922M, V928M, V937M.
Identifiers: ClinVar variation 1446172 (VCV001446172.7), dbSNP rs751172849, ClinGen allele CA2231530.

ClinVar aggregate classification (germline): Uncertain significance. Review status: criteria provided, multiple submitters, no conflicts (2 of 4 stars). 2 submissions from 2 submitters: Uncertain significance (2). Last evaluated 2024-09-04.

Allele frequency attached by ClinVar (database versions not stated): gnomAD 0.00001; gnomAD exomes 0.00001 and 0.00002; ExAC 0.00003; TOPMed 0.00004.
gnomAD v4.1: 20 of 1,613,588 alleles (0.0012%); highest among the groups gnomAD compares: African/African-American, 0.0027%; no homozygotes.

Submissions (2):

GeneDx
Classification: Uncertain significance. Last evaluated: 2024-09-04. Review status: criteria provided, single submitter. Criteria: GeneDx Variant Classification Process June 2021. Collection method: clinical testing. Allele origin: germline. Affected: yes.
Comment: In silico analysis indicates that this missense variant does not alter protein structure/function; Has not been previously published as pathogenic or benign to our knowledge

Labcorp Genetics (formerly Invitae), Labcorp
Classification: Uncertain significance. Last evaluated: 2021-11-13. Review status: criteria provided, single submitter. Criteria: Invitae Variant Classification Sherloc (09022015). Collection method: clinical testing. Allele origin: germline.
Comment: In summary, the available evidence is currently insufficient to determine the role of this variant in disease. Therefore, it has been classified as a Variant of Uncertain Significance. Algorithms developed to predict the effect of missense changes on protein structure and function are either unavailable or do not agree on the potential impact of this missense change (SIFT: "Deleterious"; PolyPhen-2: "Benign"; Align-GVGD: "Class C0"). This variant has not been reported in the literature in individuals affected with ITPR1-related conditions. This variant is present in population databases (rs751172849, gnomAD 0.007%). This sequence change replaces valine, which is neutral and non-polar, with methionine, which is neutral and non-polar, at codon 913 of the ITPR1 protein (p.Val913Met).